The following is an entry in ClinVar:

NM_000327.4(ROM1):c.577C>G (p.Arg193Gly)

Gene: ROM1 (retinal outer segment membrane protein 1; plus strand). Cytogenetic location: 11q12.3.
Variant type: single nucleotide variant.
Coding change: c.577C>G on transcript NM_000327.4 (MANE Select); coding-DNA position 577, C replaced by G.
Protein change: p.Arg193Gly; replaces arginine 193 with glycine.
Molecular consequence: missense variant.
Genome position (GRCh38, 1-based): chr11:62,613,858, C>G. VCF-style: chr11-62613858-C-G. GRCh37 (hg19) VCF-style: chr11-62381330-C-G.
Other names: short protein forms R193G.
Identifiers: ClinVar variation 879374 (VCV000879374.14), dbSNP rs754473229, ClinGen allele CA380970543.

ClinVar aggregate classification (germline): Uncertain significance. Review status: criteria provided, multiple submitters, no conflicts (2 of 4 stars). 3 submissions from 3 submitters: Uncertain significance (3). Last evaluated 2024-02-06.

Conditions:
Retinitis pigmentosa (RP). Identifiers: Orphanet 791, MedGen C0035334, MeSH D012174, MONDO:0019200, OMIM 268000. Inheritance: Autosomal dominant, autosomal recessive and X linked inheritance.

Allele frequency attached by ClinVar (database versions not stated): TOPMed 0.00001.

Submissions (3):

Labcorp Genetics (formerly Invitae), Labcorp
Classification: Uncertain significance. Last evaluated: 2024-02-06. Review status: criteria provided, single submitter. Criteria: Invitae Variant Classification Sherloc (09022015). Collection method: clinical testing. Allele origin: germline.
Comment: This sequence change replaces arginine, which is basic and polar, with glycine, which is neutral and non-polar, at codon 193 of the ROM1 protein (p.Arg193Gly). This variant is present in population databases (no rsID available, gnomAD 0.002%). This variant has not been reported in the literature in individuals affected with ROM1-related conditions. ClinVar contains an entry for this variant (Variation ID: 879374). Advanced modeling of protein sequence and biophysical properties (such as structural, functional, and spatial information, amino acid conservation, physicochemical variation, residue mobility, and thermodynamic stability) performed at Invitae indicates that this missense variant is not expected to disrupt ROM1 protein function with a negative predictive value of 80%. In summary, the available evidence is currently insufficient to determine the role of this variant in disease. Therefore, it has been classified as a Variant of Uncertain Significance.

Blueprint Genetics
Classification: Uncertain significance. Last evaluated: 2023-06-08. Review status: criteria provided, single submitter. Criteria: ACMG Guidelines, 2015. Collection method: clinical testing. Allele origin: germline.

Illumina Laboratory Services, Illumina
Classification: Uncertain significance for Retinitis pigmentosa. Last evaluated: 2018-01-12. Review status: criteria provided, single submitter. Criteria: ICSL Variant Classification Criteria 13 December 2019. Collection method: clinical testing. Allele origin: germline.